The following is an entry in ClinVar:

NM_016247.4(IMPG2):c.*1589A>G

Gene: IMPG2 (interphotoreceptor matrix proteoglycan 2; minus strand). Cytogenetic location: 3q12.3.
Variant type: single nucleotide variant.
Coding change: c.*1589A>G on transcript NM_016247.4 (MANE Select); 1589 bases downstream of the stop codon, A replaced by G.
Molecular consequence: 3 prime UTR variant.
Genome position (GRCh38, 1-based): chr3:101,225,380, T>C on the plus strand (A>G on the coding strand, the complement: IMPG2 is on the minus strand). VCF-style: chr3-101225380-T-C. GRCh37 (hg19) VCF-style: chr3-100944224-T-C.
Identifiers: ClinVar variation 342302 (VCV000342302.6), dbSNP rs6798685, ClinGen allele CA10614342.

ClinVar aggregate classification (germline): Benign. Review status: criteria provided, multiple submitters, no conflicts (2 of 4 stars). 2 submissions from 2 submitters: Benign (2). Last evaluated 2018-01-13.

Conditions:
Retinitis pigmentosa (RP). Identifiers: Orphanet 791, MedGen C0035334, MeSH D012174, MONDO:0019200, OMIM 268000. Inheritance: Autosomal dominant, autosomal recessive and X linked inheritance.

Allele frequency attached by ClinVar (database versions not stated): gnomAD exomes 0.10870; gnomAD 0.12901 and 0.12923; TOPMed 0.13043; 1000 Genomes Project 30x 0.13507; 1000 Genomes Project 0.13718.
gnomAD v4.1: 19,911 of 152,402 alleles (13%); highest among the groups gnomAD compares: South Asian, 17%; 1,368 homozygotes.

Submissions (2):

Illumina Laboratory Services, Illumina
Classification: Benign for Retinitis pigmentosa. Last evaluated: 2018-01-13. Review status: criteria provided, single submitter. Criteria: ICSL Variant Classification Criteria 13 December 2019. Collection method: clinical testing. Allele origin: germline.
Comment: This variant was observed in the ICSL laboratory as part of a predisposition screen in an ostensibly healthy population. It had not been previously curated by ICSL or reported in the Human Gene Mutation Database (HGMD: prior to June 1st, 2018), and was therefore a candidate for classification through an automated scoring system. Utilizing variant allele frequency, disease prevalence and penetrance estimates, and inheritance mode, an automated score was calculated to assess if this variant is too frequent to cause the disease. Based on the score and internal cut-off values, a variant classified as benign is not then subjected to further curation. The score for this variant resulted in a classification of benign for this disease.

Breakthrough Genomics
Classification: Benign. Review status: criteria provided, single submitter. Criteria: ACMG Guidelines, 2015. Collection method: not provided. Allele origin: germline. Inheritance: Autosomal recessive inheritance. Affected: yes.